The following is an entry in ClinVar:

NM_006363.6(SEC23B):c.235C>T (p.Arg79Ter)

Gene: SEC23B (SEC23 homolog B, COPII component; plus strand). Cytogenetic location: 20p11.23.
Variant type: single nucleotide variant.
Coding change: c.235C>T on transcript NM_006363.6 (MANE Select); coding-DNA position 235, C replaced by T.
Protein change: p.Arg79Ter; replaces arginine 79 with a stop codon.
Molecular consequence: nonsense.
Genome position (GRCh38, 1-based): chr20:18,512,238, C>T. VCF-style: chr20-18512238-C-T. GRCh37 (hg19) VCF-style: chr20-18492882-C-T.
Other names: c.235C>T (NM_006363.4); c.235C>T, p.Arg79Ter (NM_001172745.3, NM_001172746.3, NM_032985.6 and 1 more transcripts); short protein forms R79*.
Identifiers: ClinVar variation 2923149 (VCV002923149.4), dbSNP rs150263014, ClinGen allele CA9777968.
Genomic context (GRCh38, chr20:18,512,238, plus strand): 5'-TTAAAAATAAAAGTGGTACCTACTTATAATATTTATCTTTCTCACAGTCAGGTTGATTAT[C>T]GAGCAAAACTTTGGGCCTGTAATTTCTGTTTTCAAAGAAATCAGGTATGTGAATTATTTT-3'

ClinVar aggregate classification (germline): Pathogenic. Review status: criteria provided, multiple submitters, no conflicts (2 of 4 stars). 2 submissions from 2 submitters: Pathogenic (2). Last evaluated 2026-07-08.

Conditions:
SEC23B-related disorder. Also called: SEC23B-related condition; SEC23B-related disorders.
Cowden syndrome 7 (CWS7). Identifiers: Orphanet 201, MedGen C4225179, MONDO:0014802, OMIM 616858.
Congenital dyserythropoietic anemia, type II (CDAN2). Also called: DYSERYTHROPOIETIC ANEMIA, HEMPAS TYPE. Identifiers: Orphanet 98873, MedGen C1306589, MONDO:0009134, OMIM 224100.

Allele frequency attached by ClinVar (database versions not stated): ExAC 0.00001; ESP Exome Variant Server 0.00008.

Submissions (2):

PreventionGenetics, part of Exact Sciences
Classification: Pathogenic for SEC23B-related condition. Last evaluated: 2026-07-08. Review status: criteria provided, single submitter. Criteria: ACMG Guidelines, 2015. Collection method: clinical testing. Allele origin: germline.
Comment: The SEC23B c.235C>T variant is predicted to result in premature protein termination (p.Arg79*). This variant has been reported in the homozygous state or along with a second variant in this gene in multiple individuals with congenital dyserythropoietic anemia type II (Table S3, Schwarz et al. 2009. PubMed ID: 19561605; Table IIs, Russo et al. 2014. PubMed ID: 25044164). This variant is reported in 0.0041% of alleles in individuals of African descent in gnomAD. Nonsense variants in SEC23B are expected to be pathogenic. This variant is interpreted as pathogenic.

Labcorp Genetics (formerly Invitae), Labcorp
Classification: Pathogenic for Congenital dyserythropoietic anemia, type II; Cowden syndrome 7. Last evaluated: 2024-11-30. Review status: criteria provided, single submitter. Criteria: Invitae Variant Classification Sherloc (09022015). Collection method: clinical testing. Allele origin: germline.
Comment: This sequence change creates a premature translational stop signal (p.Arg79*) in the SEC23B gene. It is expected to result in an absent or disrupted protein product. Loss-of-function variants in SEC23B are known to be pathogenic (PMID: 19561605, 25044164). This variant is present in population databases (rs150263014, gnomAD 0.004%). This premature translational stop signal has been observed in individual(s) with congenital dyserythropoietic anemia type II (PMID: 19561605). ClinVar contains an entry for this variant (Variation ID: 2923149). For these reasons, this variant has been classified as Pathogenic.

Literature cited by the submitters: PubMed 19561605 (cited by Labcorp Genetics (formerly Invitae), Labcorp); PubMed 25044164 (cited by Labcorp Genetics (formerly Invitae), Labcorp).